The following is an entry in ClinVar:

NM_001128178.3(NPHP1):c.115C>A (p.Pro39Thr)

Gene: NPHP1 (nephrocystin 1; minus strand). Cytogenetic location: 2q13.
Variant type: single nucleotide variant.
Coding change: c.115C>A on transcript NM_001128178.3 (MANE Select); coding-DNA position 115, C replaced by A.
Protein change: p.Pro39Thr; replaces proline 39 with threonine.
Molecular consequence: missense variant.
Genome position (GRCh38, 1-based): chr2:110,201,449, G>T on the plus strand (C>A on the coding strand, the complement: NPHP1 is on the minus strand). VCF-style: chr2-110201449-G-T. GRCh37 (hg19) VCF-style: chr2-110959026-G-T.
Other names: c.115C>A, p.Pro39Thr (NM_000272.5, NM_001128179.3, NM_001374256.1 and 2 more transcripts); c.115C>A (NM_000272.4); short protein forms P39T.
Identifiers: ClinVar variation 129813 (VCV000129813.31), dbSNP rs33958626, ClinGen allele CA154142.

ClinVar aggregate classification (germline): Benign/Likely benign. Review status: criteria provided, multiple submitters, no conflicts (2 of 4 stars). 15 submissions from 13 submitters: Benign (10); Likely benign (1). 4 of the submissions do not count toward it. Last evaluated 2026-02-04.

Conditions:
Nephronophthisis. Also called: Juvenile Nephronophthisis. Identifiers: Orphanet 655, MedGen C0687120, MONDO:0019005, HP:0000090.
Senior-Loken syndrome 1 (SLSN1). Also called: JUVENILE NEPHRONOPHTHISIS WITH LEBER AMAUROSIS. Identifiers: Orphanet 3156, MedGen C4551559, MONDO:0009962, OMIM 266900.
Joubert syndrome with renal defect. Also called: JOUBERT SYNDROME 4. Identifiers: Orphanet 220497, MedGen C1846790, MONDO:0012308, OMIM 609583.
Nephronophthisis 1 (NPHP1). Also called: Nephronophthisis familial juvenile. Identifiers: Orphanet 655, Orphanet 93592, MedGen C1855681, MONDO:0009728, OMIM 256100.
Focal segmental glomerulosclerosis (FSGS). Also called: Glomerulosclerosis, focal; Focal sclerosis with hyalinosis. Identifiers: MedGen C0017668, MONDO:0100313, HP:0000097. Disease mechanism: loss of function.

Allele frequency attached by ClinVar (database versions not stated): 1000 Genomes Project 0.01278; 1000 Genomes Project 30x 0.01312; ESP Exome Variant Server 0.02768; TOPMed 0.02460; gnomAD 0.02731 and 0.02661; gnomAD exomes 0.02697; ExAC 0.02963.
gnomAD v4.1: 53,565 of 1,608,126 alleles (3.3%); highest among the groups gnomAD compares: Middle Eastern, 3.9%; 1,199 homozygotes.

Submissions (15):

Labcorp Genetics (formerly Invitae), Labcorp
Classification: Benign for Nephronophthisis. Last evaluated: 2026-02-04. Review status: criteria provided, single submitter. Criteria: Invitae Variant Classification Sherloc (09022015). Collection method: clinical testing. Allele origin: germline.

Blueprint Genetics
Classification: Likely benign. Last evaluated: 2024-11-26. Review status: criteria provided, single submitter. Criteria: ACMG Guidelines, 2015. Collection method: clinical testing. Allele origin: germline.

Mayo Clinic Laboratories, Mayo Clinic
Classification: Benign. Last evaluated: 2022-03-09. Review status: criteria provided, single submitter. Criteria: ACMG Guidelines, 2015. Collection method: clinical testing. Allele origin: germline. Observed: 39 variant alleles.

Genome Diagnostics Laboratory, The Hospital for Sick Children
Classification: Benign for Focal segmental glomerulosclerosis. Last evaluated: 2020-04-01. Review status: criteria provided, single submitter. Criteria: ACMG Guidelines, 2015. Collection method: clinical testing. Allele origin: germline.

Illumina Laboratory Services, Illumina
Classification: Benign for Joubert syndrome with renal defect. Last evaluated: 2018-01-12. Review status: criteria provided, single submitter. Criteria: ICSL Variant Classification Criteria 13 December 2019. Collection method: clinical testing. Allele origin: germline.
Comment: This variant was observed in the ICSL laboratory as part of a predisposition screen in an ostensibly healthy population. It had not been previously curated by ICSL or reported in the Human Gene Mutation Database (HGMD: prior to June 1st, 2018), and was therefore a candidate for classification through an automated scoring system. Utilizing variant allele frequency, disease prevalence and penetrance estimates, and inheritance mode, an automated score was calculated to assess if this variant is too frequent to cause the disease. Based on the score and internal cut-off values, a variant classified as benign is not then subjected to further curation. The score for this variant resulted in a classification of benign for this disease.

Illumina Laboratory Services, Illumina
Classification: Benign for Nephronophthisis 1. Last evaluated: 2018-01-12. Review status: criteria provided, single submitter. Criteria: ICSL Variant Classification Criteria 13 December 2019. Collection method: clinical testing. Allele origin: germline.
Comment: the same text as in the submission from Illumina Laboratory Services, Illumina above.

Illumina Laboratory Services, Illumina
Classification: Benign for Senior-Loken syndrome 1. Last evaluated: 2018-01-12. Review status: criteria provided, single submitter. Criteria: ICSL Variant Classification Criteria 13 December 2019. Collection method: clinical testing. Allele origin: germline.
Comment: the same text as in the submission from Illumina Laboratory Services, Illumina above.

GeneDx
Classification: Benign. Last evaluated: 2016-02-11. Review status: criteria provided, single submitter. Criteria: GeneDx Variant Classification (06012015). Collection method: clinical testing. Allele origin: germline. Affected: yes.
Comment: This variant is considered likely benign or benign based on one or more of the following criteria: it is a conservative change, it occurs at a poorly conserved position in the protein, it is predicted to be benign by multiple in silico algorithms, and/or has population frequency not consistent with disease.

Eurofins Ntd Llc (ga)
Classification: Benign. Last evaluated: 2014-02-17. Review status: criteria provided, single submitter. Criteria: EGL Classification Definitions 2015. Collection method: clinical testing. Allele origin: germline. Observed: 3 variant alleles, 1 heterozygote, 2 homozygotes.

Breakthrough Genomics
Classification: Benign. Review status: criteria provided, single submitter. Criteria: ACMG Guidelines, 2015. Collection method: not provided. Allele origin: germline. Inheritance: Autosomal recessive inheritance. Affected: yes.

PreventionGenetics, part of Exact Sciences
Classification: Benign. Review status: criteria provided, single submitter. Criteria: ACMG Guidelines, 2015. Collection method: clinical testing. Allele origin: germline.

Clinical Genetics DNA and cytogenetics Diagnostics Lab, Erasmus MC, Erasmus Medical Center
Classification: Likely benign. Review status: no assertion criteria provided. Collection method: clinical testing. Allele origin: germline. Affected: yes. Study: VKGL Data-share Consensus. Not counted in ClinVar's aggregate classification.

Genetic Services Laboratory, University of Chicago
Classification: Likely benign for AllHighlyPenetrant. Review status: no assertion criteria provided. Collection method: clinical testing. Allele origin: germline. Inheritance: Autosomal recessive inheritance. Not counted in ClinVar's aggregate classification.
Comment: Likely benign based on allele frequency in 1000 Genomes Project or ESP global frequency and its presence in a patient with a rare or unrelated disease phenotype. NOT Sanger confirmed.

Genome Diagnostics Laboratory, University Medical Center Utrecht
Classification: Benign. Review status: no assertion criteria provided. Collection method: clinical testing. Allele origin: germline. Affected: yes. Study: VKGL Data-share Consensus. Not counted in ClinVar's aggregate classification.

Joint Genome Diagnostic Labs from Nijmegen and Maastricht, Radboudumc and MUMC+
Classification: Benign. Review status: no assertion criteria provided. Collection method: clinical testing. Allele origin: germline. Affected: yes. Study: VKGL Data-share Consensus. Not counted in ClinVar's aggregate classification.